The following is an entry in ClinVar:

NM_000138.5(FBN1):c.4161C>A (p.Tyr1387Ter)

Gene: FBN1 (fibrillin 1; minus strand). Cytogenetic location: 15q21.1.
Variant type: single nucleotide variant.
Coding change: c.4161C>A on transcript NM_000138.5 (MANE Select); coding-DNA position 4161, C replaced by A.
Protein change: p.Tyr1387Ter; replaces tyrosine 1387 with a stop codon.
Molecular consequence: nonsense.
Genome position (GRCh38, 1-based): chr15:48,474,304, G>T on the plus strand (C>A on the coding strand, the complement: FBN1 is on the minus strand). VCF-style: chr15-48474304-G-T. GRCh37 (hg19) VCF-style: chr15-48766501-G-T.
Other names: c.4161C>A, p.Tyr1387Ter (NM_001406716.1); short protein forms Y1387*.
Identifiers: ClinVar variation 2925556 (VCV002925556.4), dbSNP rs1332403498, ClinGen allele CA392320178.

ClinVar aggregate classification (germline): Pathogenic. Review status: criteria provided, multiple submitters, no conflicts (2 of 4 stars). 2 submissions from 2 submitters: Pathogenic (2). Last evaluated 2023-11-07.

Conditions:
FBN1-related disorder. Also called: FBN1-related disorders.
Marfan syndrome (MFS). Also called: MARFAN SYNDROME, TYPE I; Marfan syndrome type 1; Marfan's syndrome; Marfan syndrome, classic; FBN1-Related Marfan Syndrome. Identifiers: Orphanet 284963, Orphanet 558, MedGen C0024796, MONDO:0007947, OMIM 154700.
Familial thoracic aortic aneurysm and aortic dissection (TAAD). Also called: Thoracic aortic aneurysms and dissections. Identifiers: Orphanet 91387, MedGen C4707243, MONDO:0019625.

Submissions (2):

Labcorp Genetics (formerly Invitae), Labcorp
Classification: Pathogenic for Marfan syndrome; Familial thoracic aortic aneurysm and aortic dissection. Last evaluated: 2023-11-07. Review status: criteria provided, single submitter. Criteria: Invitae Variant Classification Sherloc (09022015). Collection method: clinical testing. Allele origin: germline.
Comment: This sequence change creates a premature translational stop signal (p.Tyr1387*) in the FBN1 gene. It is expected to result in an absent or disrupted protein product. Loss-of-function variants in FBN1 are known to be pathogenic (PMID: 17657824, 19293843). This variant is not present in population databases (gnomAD no frequency). This premature translational stop signal has been observed in individual(s) with Marfan syndrome (PMID: 27906200). For these reasons, this variant has been classified as Pathogenic.

Blueprint Genetics
Classification: Pathogenic for FBN1-related disorders. Last evaluated: 2023-05-12. Review status: criteria provided, single submitter. Criteria: ACMG Guidelines, 2015. Collection method: clinical testing. Allele origin: germline. Affected: yes. Observed: 1 variant allele.

Literature cited by the submitters: PubMed 17657824 (cited by Labcorp Genetics (formerly Invitae), Labcorp); PubMed 19293843 (cited by Labcorp Genetics (formerly Invitae), Labcorp); PubMed 27906200 (cited by Labcorp Genetics (formerly Invitae), Labcorp).